The following is an entry in ClinVar:

ClinVar aggregate classification (germline): Uncertain significance (1 of 4 stars; one submission).

Conditions:
Hypertrophic cardiomyopathy. Also called: HYPERTROPHIC MYOCARDIOPATHY. Identifiers: Orphanet 217569, MedGen C0007194, MeSH D002312, MONDO:0005045, HP:0001639.

Submission:

Labcorp Genetics (formerly Invitae), Labcorp
Classification: Uncertain significance for Hypertrophic cardiomyopathy. Last evaluated: 2023-08-27. Review status: criteria provided, single submitter. Criteria: Invitae Variant Classification Sherloc (09022015). Collection method: clinical testing. Allele origin: unknown.
Comment: In summary, the available evidence is currently insufficient to determine the role of this variant in disease. Therefore, it has been classified as a Variant of Uncertain Significance. This variant has not been reported in the literature in individuals affected with TPM1-related conditions. A copy number gain of the genomic region encompassing the full coding sequence of the TPM1 gene has been identified. The boundaries of this event are unknown as they extend beyond the assayed region for this gene and therefore may encompass additional genes. As the precise location of this event is unknown, it may be in tandem or it may be located elsewhere in the genome.

NC_000015.9:g.(?_62244003)_(63358098_?)dup

Genes: C2CD4A (C2 calcium dependent domain containing 4A; plus strand), C2CD4B (C2 calcium dependent domain containing 4B; minus strand), TLN2 (talin 2; plus strand), TPM1 (tropomyosin 1; plus strand), VPS13C (vacuolar protein sorting 13 homolog C; minus strand). Cytogenetic location: 15q22.2.
Variant type: Duplication.
Identifiers: ClinVar variation 3243698 (VCV003243698.1).